The following is an entry in ClinVar:

ClinVar aggregate classification (germline): Conflicting classifications of pathogenicity. Review status: criteria provided, conflicting classifications (1 of 4 stars). 5 submissions from 5 submitters: Likely pathogenic (1); Uncertain significance (4). Last evaluated 2025-10-21.

Conditions:
Cardiovascular phenotype. Identifiers: MedGen CN230736.
Arrhythmogenic right ventricular cardiomyopathy (ARVD). Also called: Arrhythmogenic cardiomyopathy; Arrhythmogenic Right Ventricular Cardiomyopathy (ARVC); Cardiomyopathy, ARVC; Arrhythmogenic right ventricular dysplasia. Identifiers: Orphanet 247, MedGen C0349788, MeSH D019571, MONDO:0016587. Disease mechanism: loss of function. Inheritance: Various modes of inheritance.
Cardiomyopathy (CMYO). Also called: Cardiomyopathies. Identifiers: Orphanet 167848, MedGen C0878544, MONDO:0004994, HP:0001638. Inheritance: Various modes of inheritance.
Arrhythmogenic right ventricular dysplasia 9 (ARVD9). Also called: Arrhythmogenic Right Ventricular Dysplasia/Cardiomyopathy 9; ARRHYTHMOGENIC RIGHT VENTRICULAR DYSPLASIA, FAMILIAL, 9. Identifiers: MedGen C1836906, MONDO:0012180, OMIM 609040.

Allele frequency attached by ClinVar (database versions not stated): gnomAD exomes below 0.00001; ExAC 0.00001; gnomAD 0.00001.
gnomAD v4.1: 2 of 1,613,980 alleles (0.00012%); highest among the groups gnomAD compares: Non-Finnish European, 0.00017%; no homozygotes.

Submissions (5):

Color Diagnostics, LLC DBA Color Health
Classification: Uncertain significance for Cardiomyopathy. Last evaluated: 2025-10-21. Review status: criteria provided, single submitter. Criteria: ACMG Guidelines, 2015. Collection method: clinical testing. Allele origin: germline.
Comment: This missense variant replaces serine with threonine at codon 615 of the PKP2 protein. Computational prediction suggests that this variant may have deleterious impact on protein structure and function. To our knowledge, functional studies have not been reported for this variant. This variant has been reported in an individual with sudden unexpected death without arrhythmogenic right ventricular cardiomyopathy phenotype upon autopsy (PMID: 22019812). This variant has been identified in 2/1613980 chromosomes in the general population by the Genome Aggregation Database (gnomAD). The available evidence is insufficient to determine the role of this variant in disease conclusively. Therefore, this variant is classified as a Variant of Uncertain Significance.

Labcorp Genetics (formerly Invitae), Labcorp
Classification: Uncertain significance for Arrhythmogenic right ventricular dysplasia 9. Last evaluated: 2025-06-09. Review status: criteria provided, single submitter. Criteria: Invitae Variant Classification Sherloc (09022015). Collection method: clinical testing. Allele origin: germline.
Comment: This sequence change replaces serine, which is neutral and polar, with threonine, which is neutral and polar, at codon 615 of the PKP2 protein (p.Ser615Thr). This variant is present in population databases (rs768286281, gnomAD 0.007%). This missense change has been observed in individual(s) with clinical features of PKP2-related conditions (PMID: 22019812). ClinVar contains an entry for this variant (Variation ID: 202032). An algorithm developed to predict the effect of missense changes on protein structure and function (PolyPhen-2) suggests that this variant is likely to be disruptive. This variant disrupts the p.Ser615 amino acid residue in PKP2. Other variant(s) that disrupt this residue have been determined to be pathogenic (PMID: 15489853, 21606390, 23671136; internal data). This suggests that this residue is clinically significant, and that variants that disrupt this residue are likely to be disease-causing. In summary, the available evidence is currently insufficient to determine the role of this variant in disease. Therefore, it has been classified as a Variant of Uncertain Significance.

Ambry Genetics
Classification: Uncertain significance for Cardiovascular phenotype. Last evaluated: 2025-06-02. Review status: criteria provided, single submitter. Criteria: Ambry Variant Classification Scheme 2023. Collection method: clinical testing. Allele origin: germline.
Comment: The p.S615T variant (also known as c.1843T>A), located in coding exon 9 of the PKP2 gene, results from a T to A substitution at nucleotide position 1843. The serine at codon 615 is replaced by threonine, an amino acid with similar properties. This variant was reported in an individual in a sudden unexplained death cohort (Zhang M et al. Circ J, 2012 Oct;76:189-94). This amino acid position is highly conserved in available vertebrate species. In addition, this alteration is predicted to be deleterious by in silico analysis. Based on the available evidence, the clinical significance of this variant remains unclear.

All of Us Research Program, National Institutes of Health
Classification: Uncertain significance for Arrhythmogenic right ventricular cardiomyopathy. Last evaluated: 2023-10-02. Review status: criteria provided, single submitter. Criteria: ACMG Guidelines, 2015. Collection method: clinical testing. Allele origin: germline. Inheritance: Autosomal dominant inheritance. Observed: 2 variant alleles, 2 heterozygotes.
Comment: This missense variant replaces serine with threonine at codon 615 of the PKP2 protein. Computational prediction suggests that this variant may have deleterious impact on protein structure and function (internally defined REVEL score threshold >= 0.7, PMID: 27666373). To our knowledge, functional studies have not been reported for this variant. This variant has been reported in an individual with sudden unexpected death who was determined to be unaffected with arrhythmogenic right ventricular cardiomyopathy upon autopsy (PMID: 22019812). This variant has been identified in 2/282668 chromosomes in the general population by the Genome Aggregation Database (gnomAD). The available evidence is insufficient to determine the role of this variant in disease conclusively. Therefore, this variant is classified as a Variant of Uncertain Significance.

This study involves interpretation of variants in research participants for the purpose of population health screening. Participant phenotype was not available at the time of variant classification. Additional details can be found in publication PMID: 35346344, PMCID: PMC8962531

GeneDx
Classification: Likely pathogenic. Last evaluated: 2011-08-08. Review status: criteria provided, single submitter. Criteria: GeneDx Variant Classification (06012015). Collection method: clinical testing. Allele origin: germline. Affected: yes.
Comment: This variant is denoted Ser615Thr (aka S615T) at the protein level and c.1843 T>A at the cDNA level. The Ser615Thr variant in the PKP2 gene has not been reported previously as a disease-causing mutation nor as a benign polymorphism, to our knowledge. A different amino acid change at the same codon, Ser615Phe, has been reported in association with ARVC and this mutation has been shown to co-segregate with an ARVC phenotype in one family (Gerull et al, 2004; Syrris et al, 2006; Quarta et al, 2011). The Ser615 residue is highly conserved across species and Ser615Thr was not detected in up to 400 alleles from control individuals of Caucasian and African American ancestry tested at GeneDx. However, Ser615Thr is a conservative substitution of one neutral, polar amino acid for another. In summary, while the Ser615Thr variant is a good candidate for a disease-causing mutation, we cannot unequivocally determine whether this variant is a disease-causing mutation or a rare benign variant with the clinical and molecular information available at this time. The variant is found in ARVC panel(s).

Literature cited by the submitters: PubMed 22019812 (cited by 4 submitters); PubMed 15489853 (cited by Labcorp Genetics (formerly Invitae), Labcorp); PubMed 21606390 (cited by Labcorp Genetics (formerly Invitae), Labcorp); PubMed 23671136 (cited by Labcorp Genetics (formerly Invitae), Labcorp).

NM_001005242.3(PKP2):c.1711T>A (p.Ser571Thr)

Gene: PKP2 (plakophilin 2; minus strand). Cytogenetic location: 12p11.21.
Variant type: single nucleotide variant.
Coding change: c.1711T>A on transcript NM_001005242.3 (MANE Select); coding-DNA position 1711, T replaced by A.
Protein change: p.Ser571Thr; replaces serine 571 with threonine.
Molecular consequence: missense variant.
Genome position (GRCh38, 1-based): chr12:32,822,595, A>T on the plus strand (T>A on the coding strand, the complement: PKP2 is on the minus strand). VCF-style: chr12-32822595-A-T. GRCh37 (hg19) VCF-style: chr12-32975529-A-T.
Other names: p.S615T:TCC>ACC; c.1843T>A, p.Ser615Thr (NM_004572.4); short protein forms S615T, S571T.
Identifiers: ClinVar variation 202032 (VCV000202032.9), dbSNP rs768286281, ClinGen allele CA011490.